The following is an entry in ClinVar:

NM_015466.4(PTPN23):c.1802T>C (p.Leu601Ser)

Gene: PTPN23 (protein tyrosine phosphatase non-receptor type 23; plus strand). Cytogenetic location: 3p21.31.
Variant type: single nucleotide variant.
Coding change: c.1802T>C on transcript NM_015466.4 (MANE Select); coding-DNA position 1802, T replaced by C.
Protein change: p.Leu601Ser; replaces leucine 601 with serine.
Molecular consequence: missense variant.
Genome position (GRCh38, 1-based): chr3:47,409,421, T>C. VCF-style: chr3-47409421-T-C. GRCh37 (hg19) VCF-style: chr3-47450911-T-C.
Other names: c.1424T>C, p.Leu475Ser (NM_001304482.2); short protein forms L475S, L601S.
Identifiers: ClinVar variation 1351924 (VCV001351924.8), dbSNP rs1705210740, ClinGen allele CA352555195.
Genomic context (GRCh38, chr3:47,409,421, plus strand): 5'-CACCCTTAGGAGTCGAGGCCCTGAGTGTCCGTCCCTGGCCCCCACCCCTTCCTCAGAAGT[T>C]GTTCGAGGAGCAGCTGAAAAAGTATGACCAGCTGAAGGTGTACCTGGAGCAGAACCTGGC-3'
Protein context (NP_056281.1, residues 591-611): VTTDHSEMKK[Leu601Ser]FEEQLKKYDQ

ClinVar aggregate classification (germline): Uncertain significance (1 of 4 stars; one submission).

Submission:

Labcorp Genetics (formerly Invitae), Labcorp
Classification: Uncertain significance. Last evaluated: 2024-12-16. Review status: criteria provided, single submitter. Criteria: Invitae Variant Classification Sherloc (09022015). Collection method: clinical testing. Allele origin: germline.
Comment: This sequence change replaces leucine, which is neutral and non-polar, with serine, which is neutral and polar, at codon 601 of the PTPN23 protein (p.Leu601Ser). This variant is not present in population databases (gnomAD no frequency). This variant has not been reported in the literature in individuals affected with PTPN23-related conditions. ClinVar contains an entry for this variant (Variation ID: 1351924). Experimental studies and prediction algorithms are not available or were not evaluated, and the functional significance of this variant is currently unknown. In summary, the available evidence is currently insufficient to determine the role of this variant in disease. Therefore, it has been classified as a Variant of Uncertain Significance.